The following is an entry in ClinVar:

ClinVar aggregate classification (germline): Likely pathogenic (1 of 4 stars; one submission).

Submission:

Labcorp Genetics (formerly Invitae), Labcorp
Classification: Likely pathogenic. Last evaluated: 2024-08-10. Review status: criteria provided, single submitter. Criteria: Invitae Variant Classification Sherloc (09022015). Collection method: clinical testing. Allele origin: germline.
Comment: This sequence change affects an acceptor splice site in intron 11 of the SPTB gene. It is expected to disrupt RNA splicing. Variants that disrupt the donor or acceptor splice site typically lead to a loss of protein function (PMID: 16199547), and loss-of-function variants in SPTB are known to be pathogenic (PMID: 1391962, 1498324, 8844207, 26830532, 27292444). This variant is not present in population databases (gnomAD no frequency). This variant has not been reported in the literature in individuals affected with SPTB-related conditions. Algorithms developed to predict the effect of sequence changes on RNA splicing suggest that this variant may disrupt the consensus splice site. In summary, the currently available evidence indicates that the variant is pathogenic, but additional data are needed to prove that conclusively. Therefore, this variant has been classified as Likely Pathogenic.

Literature cited by the submitters: PubMed 16199547; PubMed 1391962; PubMed 1498324; PubMed 8844207; PubMed 26830532; PubMed 27292444.

NM_001355436.2(SPTB):c.1645-1G>T

Gene: SPTB (spectrin beta, erythrocytic; minus strand). Cytogenetic location: 14q23.3.
Variant type: single nucleotide variant.
Coding change: c.1645-1G>T on transcript NM_001355436.2 (MANE Select); the canonical splice acceptor site of the intron before coding-DNA position 1645, G replaced by T.
Molecular consequence: splice acceptor variant.
Genome position (GRCh38, 1-based): chr14:64,794,618, C>A on the plus strand (G>T on the coding strand, the complement: SPTB is on the minus strand). VCF-style: chr14-64794618-C-A. GRCh37 (hg19) VCF-style: chr14-65261336-C-A.
Other names: c.1645-1G>T (NM_001024858.4, NM_001355437.2).
Identifiers: ClinVar variation 3661912 (VCV003661912.2).